The following is an entry in ClinVar:

NM_004629.2(FANCG):c.85-1G>A

Gene: FANCG (FA complementation group G; minus strand). Cytogenetic location: 9p13.3.
Variant type: single nucleotide variant.
Coding change: c.85-1G>A on transcript NM_004629.2 (MANE Select); the canonical splice acceptor site of the intron before coding-DNA position 85, G replaced by A.
Molecular consequence: splice acceptor variant.
Genome position (GRCh38, 1-based): chr9:35,079,242, C>T on the plus strand (G>A on the coding strand, the complement: FANCG is on the minus strand). VCF-style: chr9-35079242-C-T. GRCh37 (hg19) VCF-style: chr9-35079239-C-T.
Identifiers: ClinVar variation 929672 (VCV000929672.5), dbSNP rs1052044702, ClinGen allele CA373315827.

ClinVar aggregate classification (germline): Likely pathogenic. Review status: criteria provided, multiple submitters, no conflicts (2 of 4 stars). 3 submissions from 3 submitters: Likely pathogenic (2). 1 of the submissions does not count toward it. Last evaluated 2022-12-31.

Conditions:
Fanconi anemia (FA). Also called: Fanconi's anemia. Identifiers: Orphanet 84, MedGen C0015625, MeSH D005199, MONDO:0019391.
Fanconi anemia complementation group G. Also called: FANCG-Related Fanconi Anemia; Fanconi anemia group G. Identifiers: Orphanet 84, MedGen C3469527, MONDO:0013565, OMIM 614082.

Allele frequency attached by ClinVar (database versions not stated): gnomAD exomes below 0.00001.
gnomAD v4.1: 4 of 1,606,826 alleles (0.00025%); highest among the groups gnomAD compares: Non-Finnish European, 0.00034%; no homozygotes.

Submissions (3):

Labcorp Genetics (formerly Invitae), Labcorp
Classification: Likely pathogenic for Fanconi anemia. Last evaluated: 2022-12-31. Review status: criteria provided, single submitter. Criteria: Invitae Variant Classification Sherloc (09022015). Collection method: clinical testing. Allele origin: germline.
Comment: In summary, the currently available evidence indicates that the variant is pathogenic, but additional data are needed to prove that conclusively. Therefore, this variant has been classified as Likely Pathogenic. Algorithms developed to predict the effect of sequence changes on RNA splicing suggest that this variant may disrupt the consensus splice site. ClinVar contains an entry for this variant (Variation ID: 929672). Disruption of this splice site has been observed in individual(s) with Fanconi anemia (PMID: 22778927). This variant is not present in population databases (gnomAD no frequency). This sequence change affects an acceptor splice site in intron 1 of the FANCG gene. It is expected to disrupt RNA splicing. Variants that disrupt the donor or acceptor splice site typically lead to a loss of protein function (PMID: 16199547), and loss-of-function variants in FANCG are known to be pathogenic (PMID: 12552564).

Fulgent Genetics
Classification: Likely pathogenic for Fanconi anemia complementation group G. Last evaluated: 2021-08-26. Review status: criteria provided, single submitter. Criteria: ACMG Guidelines, 2015. Collection method: clinical testing. Allele origin: unknown.

Leiden Open Variation Database
Classification: Pathogenic for Fanconi anemia complementation group G. Last evaluated: 2012-04-08. Review status: no assertion criteria provided. Collection method: curation. Allele origin: germline. Affected: yes. Not counted in ClinVar's aggregate classification.
Comment: Curator: Arleen D. Auerbach. Submitter to LOVD: Johan de Winter.

Literature cited by the submitters: PubMed 22778927 (cited by Labcorp Genetics (formerly Invitae), Labcorp and Leiden Open Variation Database); PubMed 16199547 (cited by Labcorp Genetics (formerly Invitae), Labcorp); PubMed 12552564 (cited by Labcorp Genetics (formerly Invitae), Labcorp).